The following is an entry in ClinVar:

NM_000168.6(GLI3):c.2185G>A (p.Glu729Lys)

Gene: GLI3 (GLI family zinc finger 3; minus strand). Cytogenetic location: 7p14.1.
Variant type: single nucleotide variant.
Coding change: c.2185G>A on transcript NM_000168.6 (MANE Select); coding-DNA position 2185, G replaced by A.
Protein change: p.Glu729Lys; replaces glutamic acid 729 with lysine.
Molecular consequence: missense variant.
Genome position (GRCh38, 1-based): chr7:41,967,842, C>T on the plus strand (G>A on the coding strand, the complement: GLI3 is on the minus strand). VCF-style: chr7-41967842-C-T. GRCh37 (hg19) VCF-style: chr7-42007440-C-T.
Other names: short protein forms E729K.
Identifiers: ClinVar variation 3897154 (VCV003897154.1).

ClinVar aggregate classification (germline): Uncertain significance (1 of 4 stars; one submission).

gnomAD v4.1: 30 of 1,614,078 alleles (0.0019%); highest among the groups gnomAD compares: South Asian, 0.0077%; no homozygotes.

Submission:

GeneDx
Classification: Uncertain significance. Last evaluated: 2024-11-05. Review status: criteria provided, single submitter. Criteria: GeneDx Variant Classification Process June 2021. Collection method: clinical testing. Allele origin: germline. Affected: yes.
Comment: In silico analysis supports that this missense variant has a deleterious effect on protein structure/function; Has not been previously published as pathogenic or benign to our knowledge